The following is an entry in ClinVar:

NM_022114.4(PRDM16):c.2339A>G (p.Lys780Arg)

Gene: PRDM16 (PR/SET domain 16; plus strand). Cytogenetic location: 1p36.32.
Variant type: single nucleotide variant.
Coding change: c.2339A>G on transcript NM_022114.4 (MANE Select); coding-DNA position 2339, A replaced by G.
Protein change: p.Lys780Arg; replaces lysine 780 with arginine.
Molecular consequence: missense variant.
Genome position (GRCh38, 1-based): chr1:3,412,536, A>G. VCF-style: chr1-3412536-A-G. GRCh37 (hg19) VCF-style: chr1-3329100-A-G.
Other names: c.2339A>G, p.Lys780Arg (NM_199454.3); short protein forms K780R.
Identifiers: ClinVar variation 1058893 (VCV001058893.9), dbSNP rs1038198761, ClinGen allele CA16967826.
Genomic context (GRCh38, chr1:3,412,536, plus strand): 5'-ACGCCCTCAAGGTGGGCGGCCCCAGTGCCGAGTGCCCCTTTGATCTCACCACCAAGCCCA[A>G]AGACGTGAAGCCCATCCTGCCCATGCCCAAGGGCCCCTCGGCCCCCGCATCCGGCGAGGA-3'
Protein context (NP_071397.3, residues 770-790): ECPFDLTTKP[Lys780Arg]DVKPILPMPK

ClinVar aggregate classification (germline): Uncertain significance (1 of 4 stars; one submission).

Conditions:
Left ventricular noncompaction 8 (LVNC8). Identifiers: Orphanet 154, Orphanet 54260, MedGen C3809288, MONDO:0014152, OMIM 615373.

gnomAD v4.1: 1 of 1,612,582 alleles (0.000062%); highest among the groups gnomAD compares: Non-Finnish European, 0.000085%; no homozygotes.

Submission:

Labcorp Genetics (formerly Invitae), Labcorp
Classification: Uncertain significance for Left ventricular noncompaction 8. Last evaluated: 2022-12-13. Review status: criteria provided, single submitter. Criteria: Invitae Variant Classification Sherloc (09022015). Collection method: clinical testing. Allele origin: germline.
Comment: This sequence change replaces lysine, which is basic and polar, with arginine, which is basic and polar, at codon 780 of the PRDM16 protein (p.Lys780Arg). This variant is not present in population databases (gnomAD no frequency). In summary, the available evidence is currently insufficient to determine the role of this variant in disease. Therefore, it has been classified as a Variant of Uncertain Significance. Algorithms developed to predict the effect of missense changes on protein structure and function (SIFT, PolyPhen-2, Align-GVGD) all suggest that this variant is likely to be disruptive. ClinVar contains an entry for this variant (Variation ID: 1058893). This variant has not been reported in the literature in individuals affected with PRDM16-related conditions.